The following is an entry in ClinVar:

ClinVar aggregate classification (germline): Uncertain significance (1 of 4 stars; one submission).

Submission:

Labcorp Genetics (formerly Invitae), Labcorp
Classification: Uncertain significance. Last evaluated: 2022-09-06. Review status: criteria provided, single submitter. Criteria: Invitae Variant Classification Sherloc (09022015). Collection method: clinical testing. Allele origin: germline.
Comment: In summary, the available evidence is currently insufficient to determine the role of this variant in disease. Therefore, it has been classified as a Variant of Uncertain Significance. This variant has not been reported in the literature in individuals affected with PCYT1A-related conditions. This variant results in a copy number gain of the genomic region encompassing exon(s) 4-10 of the PCYT1A gene. This region includes the termination codon of the gene. This copy number gain extends beyond the assayed region for this gene and therefore may encompass additional genes. As the precise location of this event is unknown, it may be in tandem or it may be located elsewhere in the genome.

NC_000003.11:g.(?_195965559)_(195984778_?)dup

Gene: PCYT1A (phosphate cytidylyltransferase 1A, choline; minus strand). Cytogenetic location: 3q29.
Variant type: Duplication.
Identifiers: ClinVar variation 2425277 (VCV002425277.4).